The following is an entry in ClinVar:

ClinVar aggregate classification (germline): Uncertain significance (1 of 4 stars; one submission).

Conditions:
Primary immunodeficiency with post-measles-mumps-rubella vaccine viral infection. Also called: Immunodeficiency 44. Identifiers: Orphanet 431166, MedGen C4225260, MONDO:0014715, OMIM 616636.

Submission:

Labcorp Genetics (formerly Invitae), Labcorp
Classification: Uncertain significance for Primary immunodeficiency with post-measles-mumps-rubella vaccine viral infection. Last evaluated: 2022-01-28. Review status: criteria provided, single submitter. Criteria: Invitae Variant Classification Sherloc (09022015). Collection method: clinical testing. Allele origin: germline.
Comment: In summary, the available evidence is currently insufficient to determine the role of this variant in disease. Therefore, it has been classified as a Variant of Uncertain Significance. Algorithms developed to predict the effect of missense changes on protein structure and function (SIFT, PolyPhen-2, Align-GVGD) all suggest that this variant is likely to be tolerated. This variant has not been reported in the literature in individuals affected with STAT2-related conditions. This variant is not present in population databases (gnomAD no frequency). This sequence change replaces valine, which is neutral and non-polar, with leucine, which is neutral and non-polar, at codon 37 of the STAT2 protein (p.Val37Leu).

NM_005419.4(STAT2):c.109G>C (p.Val37Leu)

Gene: STAT2 (signal transducer and activator of transcription 2; minus strand). Cytogenetic location: 12q13.3.
Variant type: single nucleotide variant.
Coding change: c.109G>C on transcript NM_005419.4 (MANE Select); coding-DNA position 109, G replaced by C.
Protein change: p.Val37Leu; replaces valine 37 with leucine.
Molecular consequence: missense variant.
Genome position (GRCh38, 1-based): chr12:56,356,463, C>G on the plus strand (G>C on the coding strand, the complement: STAT2 is on the minus strand). VCF-style: chr12-56356463-C-G. GRCh37 (hg19) VCF-style: chr12-56750247-C-G.
Other names: c.109G>C, p.Val37Leu (NM_001385110.1, NM_001385111.1, NM_001385113.1 and 3 more transcripts); short protein forms V37L.
Identifiers: ClinVar variation 1490878 (VCV001490878.6), dbSNP rs144812882, ClinGen allele CA385264111.